The following is an entry in ClinVar:

NM_002296.4(LBR):c.1631G>A (p.Arg544His)

Gene: LBR (lamin B receptor; minus strand). Cytogenetic location: 1q42.12.
Variant type: single nucleotide variant.
Coding change: c.1631G>A on transcript NM_002296.4 (MANE Select); coding-DNA position 1631, G replaced by A.
Protein change: p.Arg544His; replaces arginine 544 with histidine.
Molecular consequence: missense variant.
Genome position (GRCh38, 1-based): chr1:225,404,460, C>T on the plus strand (G>A on the coding strand, the complement: LBR is on the minus strand). VCF-style: chr1-225404460-C-T. GRCh37 (hg19) VCF-style: chr1-225592162-C-T.
Other names: c.1631G>A, p.Arg544His (NM_194442.3); c.1631G>A (NM_002296.3); short protein forms R544H.
Identifiers: ClinVar variation 1903009 (VCV001903009.6), dbSNP rs1444693890, ClinGen allele CA344992898.
Genomic context (GRCh38, chr1:225,404,460, plus strand): 5'-TTACCACATGGGAGGGACCACGCCAAGGCCATGATGAGATCACCCAAGTAATTGGGGTGG[C>T]GAACAAAGCCCCACCATCCAGAAACTAGAAGATTTTTTCCCGTTGAAGTATGAATGGTTT-3'
Protein context (NP_002287.2, residues 534-554): LLVSGWWGFV[Arg544His]HPNYLGDLIM

ClinVar aggregate classification (germline): Uncertain significance. Review status: criteria provided, multiple submitters, no conflicts (2 of 4 stars). 2 submissions from 2 submitters: Uncertain significance (2). Last evaluated 2025-08-23.

Conditions:
Inborn genetic diseases. Identifiers: MedGen C0950123, MeSH D030342.

Allele frequency attached by ClinVar (database versions not stated): gnomAD exomes below 0.00001; gnomAD 0.00001; TOPMed 0.00003.

Submissions (2):

Ambry Genetics
Classification: Uncertain significance for Inborn genetic diseases. Last evaluated: 2025-08-23. Review status: criteria provided, single submitter. Criteria: Ambry Variant Classification Scheme 2023. Collection method: clinical testing. Allele origin: germline.

Labcorp Genetics (formerly Invitae), Labcorp
Classification: Uncertain significance. Last evaluated: 2023-07-18. Review status: criteria provided, single submitter. Criteria: Invitae Variant Classification Sherloc (09022015). Collection method: clinical testing. Allele origin: germline.
Comment: This sequence change replaces arginine, which is basic and polar, with histidine, which is basic and polar, at codon 544 of the LBR protein (p.Arg544His). In summary, the available evidence is currently insufficient to determine the role of this variant in disease. Therefore, it has been classified as a Variant of Uncertain Significance. Advanced modeling of protein sequence and biophysical properties (such as structural, functional, and spatial information, amino acid conservation, physicochemical variation, residue mobility, and thermodynamic stability) has been performed at Invitae for this missense variant, however the output from this modeling did not meet the statistical confidence thresholds required to predict the impact of this variant on LBR protein function. ClinVar contains an entry for this variant (Variation ID: 1903009). This variant has not been reported in the literature in individuals affected with LBR-related conditions. This variant is present in population databases (no rsID available, gnomAD 0.006%).